The following is an entry in ClinVar:

ClinVar aggregate classification (germline): Uncertain significance (1 of 4 stars; one submission).

Conditions:
Autosomal recessive nonsyndromic hearing loss 84A. Also called: DEAFNESS, AUTOSOMAL RECESSIVE 84A; DEAFNESS, AUTOSOMAL RECESSIVE 84A, WITH VESTIBULAR DYSFUNCTION. Identifiers: Orphanet 90636, MedGen C3150654, MONDO:0013249, OMIM 613391.

gnomAD v4.1: 1 of 1,547,042 alleles (0.000065%); highest among the groups gnomAD compares: Non-Finnish European, 0.000087%; no homozygotes.

Submission:

3billion
Classification: Uncertain significance for Autosomal recessive nonsyndromic hearing loss 84A. Last evaluated: 2025-01-22. Review status: criteria provided, single submitter. Criteria: ACMG Guidelines, 2015. Collection method: clinical testing. Allele origin: germline. Affected: yes.
Comment: The variant is observed at an extremely low frequency in the gnomAD v4.1.0 dataset (total allele frequency: <0.001%). Predicted Consequence/Location: Intron variant In silico tools predict the variant to alter splicing and produce an abnormal transcript [SpliceAI: 0.31 (>=0.2, moderate evidence for spliceogenicity)]. Therefore, this variant is classified as VUS according to the recommendation of ACMG/AMP guideline.

NM_001145026.2(PTPRQ):c.6862+8G>T

Gene: PTPRQ (protein tyrosine phosphatase receptor type Q; plus strand). Cytogenetic location: 12q21.31.
Variant type: single nucleotide variant.
Coding change: c.6862+8G>T on transcript NM_001145026.2 (MANE Select); 8 bases into the intron after coding-DNA position 6862, G replaced by T.
Molecular consequence: intron variant.
Genome position (GRCh38, 1-based): chr12:80,678,733, G>T. VCF-style: chr12-80678733-G-T. GRCh37 (hg19) VCF-style: chr12-81072512-G-T.
Identifiers: ClinVar variation 4292189 (VCV004292189.1).
Genomic context (GRCh38, chr12:80,678,733, plus strand): 5'-TTTTGTTAACTATTCAGCACTTCAGAAGATGGACTCTTTGGACGCCATGGAAGGTAAACA[G>T]AAACAACAGTATATGCCCAGCTTACTAGTTTACCACCTACGGTAAGAACATAAATTTCAG-3'